The following is an entry in ClinVar:

ClinVar aggregate classification (germline): Uncertain significance (1 of 4 stars; one submission).

Allele frequency attached by ClinVar (database versions not stated): gnomAD exomes below 0.00001.
gnomAD v4.1: 1 of 1,614,092 alleles (0.000062%); highest among the groups gnomAD compares: Non-Finnish European, 0.000085%; no homozygotes.

Submission:

Labcorp Genetics (formerly Invitae), Labcorp
Classification: Uncertain significance. Last evaluated: 2022-05-31. Review status: criteria provided, single submitter. Criteria: Invitae Variant Classification Sherloc (09022015). Collection method: clinical testing. Allele origin: germline.
Comment: This sequence change replaces glutamic acid, which is acidic and polar, with lysine, which is basic and polar, at codon 289 of the LARP7 protein (p.Glu289Lys). This variant is present in population databases (no rsID available, gnomAD 0.0009%). This variant has not been reported in the literature in individuals affected with LARP7-related conditions. Algorithms developed to predict the effect of missense changes on protein structure and function (SIFT, PolyPhen-2, Align-GVGD) all suggest that this variant is likely to be tolerated. In summary, the available evidence is currently insufficient to determine the role of this variant in disease. Therefore, it has been classified as a Variant of Uncertain Significance.

NM_016648.4(LARP7):c.865G>A (p.Glu289Lys)

Genes: LARP7 (La ribonucleoprotein 7, transcriptional regulator; plus strand), MIR302CHG (miR-302/367 cluster host gene; minus strand). Cytogenetic location: 4q25.
Variant type: single nucleotide variant.
Coding change: c.865G>A on transcript NM_016648.4 (MANE Select); coding-DNA position 865, G replaced by A.
Protein change: p.Glu289Lys; replaces glutamic acid 289 with lysine.
Molecular consequence: missense variant. On other transcripts: non-coding transcript variant (1).
Genome position (GRCh38, 1-based): chr4:112,647,417, G>A. VCF-style: chr4-112647417-G-A. GRCh37 (hg19) VCF-style: chr4-113568573-G-A.
Other names: c.865G>A, p.Glu289Lys (NM_001267039.4, NM_001370974.1, NM_001370975.1 and 2 more transcripts); c.862G>A, p.Glu288Lys (NM_001370976.1, NM_001370977.1, NM_001370979.1 and 1 more transcripts); c.628G>A, p.Glu210Lys (NM_001370981.1, NM_001370982.1); short protein forms E288K, E289K, E210K.
Identifiers: ClinVar variation 2125676 (VCV002125676.4), dbSNP rs1235297961, ClinGen allele CA357925899.